The following is an entry in ClinVar:

ClinVar aggregate classification (germline): Uncertain significance (1 of 4 stars; one submission).

gnomAD v4.1: 4 of 1,613,888 alleles (0.00025%); highest among the groups gnomAD compares: South Asian, 0.0033%; no homozygotes.

Submission:

Labcorp Genetics (formerly Invitae), Labcorp
Classification: Uncertain significance. Last evaluated: 2024-11-19. Review status: criteria provided, single submitter. Criteria: Invitae Variant Classification Sherloc (09022015). Collection method: clinical testing. Allele origin: germline.
Comment: This sequence change falls in intron 39 of the ITPR1 gene. It does not directly change the encoded amino acid sequence of the ITPR1 protein. It affects a nucleotide within the consensus splice site. This variant is not present in population databases (gnomAD no frequency). This variant has not been reported in the literature in individuals affected with ITPR1-related conditions. Variants that disrupt the consensus splice site are a relatively common cause of aberrant splicing (PMID: 17576681, 9536098). Algorithms developed to predict the effect of sequence changes on RNA splicing suggest that this variant is not likely to affect RNA splicing. In summary, the available evidence is currently insufficient to determine the role of this variant in disease. Therefore, it has been classified as a Variant of Uncertain Significance.

Literature cited by the submitters: PubMed 17576681; PubMed 9536098.

NM_001378452.1(ITPR1):c.5353+3A>G

Gene: ITPR1 (inositol 1,4,5-trisphosphate receptor type 1; plus strand). Cytogenetic location: 3p26.1.
Variant type: single nucleotide variant.
Coding change: c.5353+3A>G on transcript NM_001378452.1 (MANE Select); 3 bases into the intron after coding-DNA position 5353, A replaced by G.
Molecular consequence: intron variant.
Genome position (GRCh38, 1-based): chr3:4,733,223, A>G. VCF-style: chr3-4733223-A-G. GRCh37 (hg19) VCF-style: chr3-4774907-A-G.
Other names: c.5209+3A>G (NM_001099952.4); c.5308+3A>G (NM_001168272.2); c.5164+3A>G (NM_002222.7).
Identifiers: ClinVar variation 3689029 (VCV003689029.2).
Genomic context (GRCh38, chr3:4,733,223, plus strand): 5'-ACCAGCTTTGGCAATGGCCCACTGTCAGCAGGAGGACCCGGCAAGCCCGGGGGAGGAGGT[A>G]CGCTTTGTGGTGTAATTACCTTCGTGTGTGAATCAAGTGTGTTCTGTGATAGCTGCATGT-3'